The following is an entry in ClinVar:

NM_197968.4(ZMYM2):c.3524del (p.Glu1174_Leu1175insTer)

Gene: ZMYM2 (zinc finger MYM-type containing 2; plus strand). Cytogenetic location: 13q12.11.
Variant type: Deletion.
Coding change: c.3524del on transcript NM_197968.4 (MANE Select); coding-DNA position 3524, one base deleted (T; older notation c.3524delT).
Protein change: p.Glu1174_Leu1175insTer.
Molecular consequence: nonsense. On other transcripts: non-coding transcript variant (1).
Genome position (GRCh38, 1-based): chr13:20,082,086, T deleted; the last of 2 consecutive T bases (chr13:20,082,085-20,082,086); deleting either gives the same sequence. VCF-style (leftmost placement, unchanged base first): chr13-20082084-AT-A. GRCh37 (hg19) VCF-style: chr13-20656224-AT-A.
Other names: c.3524del, p.Glu1174_Leu1175insTer (NM_001190964.4, NM_001190965.4, NM_001353157.2 and 4 more transcripts); c.3329del, p.Glu1109_Leu1110insTer (NM_001353161.3); c.3263del, p.Glu1087_Leu1088insTer (NM_001353163.2).
Identifiers: ClinVar variation 3985221 (VCV003985221.1).
Genomic context (GRCh38, chr13:20,082,084, plus strand): 5'-TGGAAGTAATCGAAAAGACAACATATTTATTGATCCTGGATACCAAACATTTGAGCAAGA[AT>A]TGAATAAAATACTGCGAAGCTGGCAACCAAGCATACTTCCAGATGGTAATGCTATTTTCA-3'

ClinVar aggregate classification (germline): Pathogenic (1 of 4 stars; one submission).

Conditions:
Inborn genetic diseases. Identifiers: MedGen C0950123, MeSH D030342.

Submission:

Ambry Genetics
Classification: Pathogenic for Inborn genetic diseases. Last evaluated: 2025-05-30. Review status: criteria provided, single submitter. Criteria: Ambry Variant Classification Scheme 2023. Collection method: clinical testing. Allele origin: germline.
Comment: The c.3524delT (p.L1175*) alteration, located in exon 23 (coding exon 20) of the ZMYM2 gene, consists of a deletion of one nucleotide at position 3524, causing a translational frameshift with a predicted alternate stop codon after amino acids. This alteration is expected to result in loss of function by premature protein truncation or nonsense-mediated mRNA decay. This variant was not reported in population-based cohorts in the Genome Aggregation Database (gnomAD). Based on the available evidence, this alteration is classified as pathogenic.